The following is an entry in ClinVar:

ClinVar aggregate classification (germline): Uncertain significance. Review status: criteria provided, multiple submitters, no conflicts (2 of 4 stars). 2 submissions from 2 submitters: Uncertain significance (2). Last evaluated 2025-01-31.

Conditions:
PSEN2-related disorder. Also called: PSEN2-related condition.
Alzheimer disease 4 (AD4). Identifiers: Orphanet 1020, MedGen C1847200, MONDO:0011743, OMIM 606889.

Allele frequency attached by ClinVar (database versions not stated): gnomAD 0.00001; gnomAD exomes 0.00001; TOPMed 0.00001.
gnomAD v4.1: 6 of 1,614,034 alleles (0.00037%); highest among the groups gnomAD compares: Non-Finnish European, 0.00051%; no homozygotes.

Submissions (2):

PreventionGenetics, part of Exact Sciences
Classification: Uncertain significance for PSEN2-related condition. Last evaluated: 2025-01-31. Review status: criteria provided, single submitter. Criteria: ACMG Guidelines, 2015. Collection method: clinical testing. Allele origin: germline.
Comment: The PSEN2 c.713T>C variant is predicted to result in the amino acid substitution p.Leu238Pro. This variant was reported in an individual with Alzheimer disease (Blauwendraat et al. 2016. PubMed ID: 26522186). This variant is reported in 0.0026% of alleles in individuals of European (Non-Finnish) descent in gnomAD. Of note, another variant impacting the same amino acid (p. Leu238Phe) has also been reported in a patient Alzheimer disease (Sala Frigerio et al. 2015. PubMed ID: 25937274). At this time, the clinical significance of this variant is uncertain due to the absence of conclusive functional and genetic evidence.

Labcorp Genetics (formerly Invitae), Labcorp
Classification: Uncertain significance for Alzheimer disease 4. Last evaluated: 2022-02-08. Review status: criteria provided, single submitter. Criteria: Invitae Variant Classification Sherloc (09022015). Collection method: clinical testing. Allele origin: germline.
Comment: Algorithms developed to predict the effect of missense changes on protein structure and function (SIFT, PolyPhen-2, Align-GVGD) all suggest that this variant is likely to be disruptive. In summary, the available evidence is currently insufficient to determine the role of this variant in disease. Therefore, it has been classified as a Variant of Uncertain Significance. This missense change has been observed in individual(s) with Alzheimer disease (PMID: 26522186). This variant is present in population databases (no rsID available, gnomAD 0.003%). This sequence change replaces leucine, which is neutral and non-polar, with proline, which is neutral and non-polar, at codon 238 of the PSEN2 protein (p.Leu238Pro).

Literature cited by the submitters: PubMed 26522186 (cited by Labcorp Genetics (formerly Invitae), Labcorp).

NM_000447.3(PSEN2):c.713T>C (p.Leu238Pro)

Gene: PSEN2 (presenilin 2; plus strand). Cytogenetic location: 1q42.13.
Variant type: single nucleotide variant.
Coding change: c.713T>C on transcript NM_000447.3 (MANE Select); coding-DNA position 713, T replaced by C.
Protein change: p.Leu238Pro; replaces leucine 238 with proline.
Molecular consequence: missense variant.
Genome position (GRCh38, 1-based): chr1:226,888,975, T>C. VCF-style: chr1-226888975-T-C. GRCh37 (hg19) VCF-style: chr1-227076676-T-C.
Other names: c.713T>C, p.Leu238Pro (NM_012486.3); c.713T>C (NM_000447.2); short protein forms L238P.
Identifiers: ClinVar variation 2202993 (VCV002202993.5), dbSNP rs1211631545, ClinGen allele CA345040662.